The following is an entry in ClinVar:

ClinVar aggregate classification (germline): Conflicting classifications of pathogenicity. Review status: criteria provided, conflicting classifications (1 of 4 stars). 4 submissions from 4 submitters: Uncertain significance (1); Likely benign (3). Last evaluated 2025-12-22.

Conditions:
Cardiovascular phenotype. Identifiers: MedGen CN230736.
Long QT syndrome (LQTS). Identifiers: MedGen C0023976, MeSH D008133, MONDO:0002442. Disease mechanism: loss of function. Inheritance: Various modes of inheritance.

Allele frequency attached by ClinVar (database versions not stated): gnomAD 0.00013; ESP Exome Variant Server 0.00015; 1000 Genomes Project 30x 0.00031.
gnomAD v4.1: 126 of 1,613,296 alleles (0.0078%); highest among the groups gnomAD compares: Non-Finnish European, 0.01%; no homozygotes.

Submissions (4):

Labcorp Genetics (formerly Invitae), Labcorp
Classification: Uncertain significance for Long QT syndrome. Last evaluated: 2025-12-22. Review status: criteria provided, single submitter. Criteria: Invitae Variant Classification Sherloc (09022015). Collection method: clinical testing. Allele origin: germline.
Comment: This sequence change replaces threonine, which is neutral and polar, with isoleucine, which is neutral and non-polar, at codon 715 of the ANK2 protein (p.Thr715Ile). This variant is present in population databases (rs199681788, gnomAD 0.02%). This variant has not been reported in the literature in individuals affected with ANK2-related conditions. ClinVar contains an entry for this variant (Variation ID: 190522). An algorithm developed to predict the effect of missense changes on protein structure and function (PolyPhen-2) suggests that this variant is likely to be tolerated. In summary, the available evidence is currently insufficient to determine the role of this variant in disease. Therefore, it has been classified as a Variant of Uncertain Significance.

CeGaT Center for Human Genetics Tuebingen
Classification: Likely benign. Last evaluated: 2025-03-01. Review status: criteria provided, single submitter. Criteria: CeGaT Center For Human Genetics Tuebingen Variant Classification Criteria Version 2. Collection method: clinical testing. Allele origin: germline. Affected: yes. Observed: 1 variant allele.
Comment: ANK2: BP4

Ambry Genetics
Classification: Likely benign for Cardiovascular phenotype. Last evaluated: 2023-01-03. Review status: criteria provided, single submitter. Criteria: Ambry Variant Classification Scheme 2023. Collection method: clinical testing. Allele origin: germline.

GeneDx
Classification: Likely benign. Last evaluated: 2019-03-05. Review status: criteria provided, single submitter. Criteria: GeneDx Variant Classification Process June 2021. Collection method: clinical testing. Allele origin: germline. Affected: yes.

Literature cited by the submitters: PubMed 30847666 (cited by Ambry Genetics).

NM_001148.6(ANK2):c.2144C>T (p.Thr715Ile)

Gene: ANK2 (ankyrin 2; plus strand). Cytogenetic location: 4q26.
Variant type: single nucleotide variant.
Coding change: c.2144C>T on transcript NM_001148.6 (MANE Select); coding-DNA position 2144, C replaced by T.
Protein change: p.Thr715Ile; replaces threonine 715 with isoleucine.
Molecular consequence: missense variant.
Genome position (GRCh38, 1-based): chr4:113,287,669, C>T. VCF-style: chr4-113287669-C-T. GRCh37 (hg19) VCF-style: chr4-114208825-C-T.
Other names: p.T715I:ACC>ATC; c.2144C>T, p.Thr715Ile (NM_001354232.2, NM_001354235.2, NM_001354236.2 and 6 more transcripts); c.2189C>T, p.Thr730Ile (NM_001354237.2, NM_001354240.2, NM_001354241.2 and 5 more transcripts); c.2081C>T, p.Thr694Ile (NM_001354239.2, NM_001354243.2, NM_001354244.2 and 10 more transcripts); c.2045C>T, p.Thr682Ile (NM_001354245.2, NM_001354268.2); c.2057C>T, p.Thr686Ile (NM_001354249.2, NM_001354274.2, NM_001354276.2 and 10 more transcripts); c.1982C>T, p.Thr661Ile (NM_001354253.2, NM_001354270.2, NM_001386156.1 and 1 more transcripts); c.1934C>T, p.Thr645Ile (NM_001354269.3); and 9 more; short protein forms T694I, T715I, T620I, T645I, T653I, T730I, T649I, T682I.
Identifiers: ClinVar variation 190522 (VCV000190522.22), dbSNP rs199681788, ClinGen allele CA300692.